The following is an entry in ClinVar:

ClinVar aggregate classification (germline): Likely benign. Review status: criteria provided, single submitter (1 of 4 stars). 2 submissions from 2 submitters: Likely benign (1). 1 of the submissions does not count toward it. Last evaluated 2025-12-22.

Conditions:
Werner syndrome (WRN). Identifiers: Orphanet 902, MedGen C0043119, MONDO:0010196, OMIM 277700.
WRN-related disorder. Also called: WRN-related condition.

Allele frequency attached by ClinVar (database versions not stated): gnomAD exomes below 0.00001; TOPMed 0.00003; gnomAD 0.00004.
gnomAD v4.1: 11 of 1,612,788 alleles (0.00068%); highest among the groups gnomAD compares: African/African-American, 0.0053%; no homozygotes.

Submissions (2):

Labcorp Genetics (formerly Invitae), Labcorp
Classification: Likely benign for Werner syndrome. Last evaluated: 2025-12-22. Review status: criteria provided, single submitter. Criteria: Invitae Variant Classification Sherloc (09022015). Collection method: clinical testing. Allele origin: germline.

PreventionGenetics, part of Exact Sciences
Classification: Likely benign for WRN-related condition. Last evaluated: 2023-03-15. Review status: no assertion criteria provided. Collection method: clinical testing. Allele origin: germline. Not counted in ClinVar's aggregate classification.
Comment: This variant is classified as likely benign based on ACMG/AMP sequence variant interpretation guidelines (Richards et al. 2015 PMID: 25741868, with internal and published modifications).

NM_000553.6(WRN):c.1830-3T>C

Gene: WRN (WRN RecQ like helicase; plus strand). Cytogenetic location: 8p12.
Variant type: single nucleotide variant.
Coding change: c.1830-3T>C on transcript NM_000553.6 (MANE Select); 3 bases into the intron before coding-DNA position 1830, T replaced by C.
Molecular consequence: intron variant.
Genome position (GRCh38, 1-based): chr8:31,091,827, T>C. VCF-style: chr8-31091827-T-C. GRCh37 (hg19) VCF-style: chr8-30949343-T-C.
Identifiers: ClinVar variation 528116 (VCV000528116.10), dbSNP rs1241338285, ClinGen allele CA580997002.